The following is an entry in ClinVar:

ClinVar aggregate classification (germline): Uncertain significance (1 of 4 stars; one submission).

Submission:

Labcorp Genetics (formerly Invitae), Labcorp
Classification: Uncertain significance. Last evaluated: 2022-06-22. Review status: criteria provided, single submitter. Criteria: Invitae Variant Classification Sherloc (09022015). Collection method: clinical testing. Allele origin: germline.
Comment: In summary, the available evidence is currently insufficient to determine the role of this variant in disease. Therefore, it has been classified as a Variant of Uncertain Significance. Experimental studies and prediction algorithms are not available or were not evaluated, and the functional significance of this variant is currently unknown. This variant has not been reported in the literature in individuals affected with PKD1L1-related conditions. This variant is present in population databases (rs753521648, gnomAD 0.002%). This variant, c.6595_6597del, results in the deletion of 1 amino acid(s) of the PKD1L1 protein (p.Arg2199del), but otherwise preserves the integrity of the reading frame.

NM_138295.5(PKD1L1):c.6592AGA[1] (p.Arg2199del)

Gene: PKD1L1 (polycystin 1 like 1, transient receptor potential channel interacting; minus strand). Cytogenetic location: 7p12.3.
Variant type: Microsatellite.
Coding change: c.6592AGA[1] on transcript NM_138295.5 (MANE Select); one copy of the 3-base unit AGA starting at c.6592; the reference has two copies in a row; one copy, 3 bases deleted.
Protein change: p.Arg2199del; deletes arginine 2199.
Molecular consequence: inframe deletion.
Genome position (GRCh38, 1-based): chr7:47,829,563-47,829,565, TCT deleted on the plus strand (AGA on the coding strand, the reverse complement: PKD1L1 is on the minus strand); deleting any 3 consecutive bases within chr7:47,829,563-47,829,569 gives the same sequence; the position shown is the placement nearest the transcript's 3' end. VCF-style (leftmost placement, unchanged base first): chr7-47829562-CTCT-C. GRCh37 (hg19) VCF-style: chr7-47869160-CTCT-C.
Other names: short protein forms R2199del.
Identifiers: ClinVar variation 1905871 (VCV001905871.5), dbSNP rs753521648, ClinGen allele CA4252389.